The following is an entry in ClinVar:

NM_001004334.4(GPR179):c.2386AAG[1] (p.Lys797del)

Gene: GPR179 (G protein-coupled receptor 179; minus strand). Cytogenetic location: 17q12.
Variant type: Microsatellite.
Coding change: c.2386AAG[1] on transcript NM_001004334.4 (MANE Select); one copy of the 3-base unit AAG starting at c.2386; the reference has two copies in a row; one copy, 3 bases deleted.
Protein change: p.Lys797del; deletes lysine 797.
Molecular consequence: inframe deletion.
Genome position (GRCh38, 1-based): chr17:38,331,178-38,331,180, CTT deleted on the plus strand (AAG on the coding strand, the reverse complement: GPR179 is on the minus strand); deleting any 3 consecutive bases within chr17:38,331,178-38,331,183 gives the same sequence; the position shown is the placement nearest the transcript's 3' end. VCF-style (leftmost placement, unchanged base first): chr17-38331177-CCTT-C. GRCh37 (hg19) VCF-style: chr17-36487060-CCTT-C.
Other names: short protein forms K797del.
Identifiers: ClinVar variation 1359743 (VCV001359743.8), dbSNP rs1391766120, ClinGen allele CA771711641.
Genomic context (GRCh38, chr17:38,331,177, plus strand): 5'-CTGACCTGAAGCCCAGGGCAGGGGGCCCCTCCACCGACTCCCGGCTCTCTGTTCGAGAGG[CCTT>C]CTTGGCCAGCTTCCTCCTCAGCAGTGAGTCAAGAAGAGGCGGGTCCTGCTCCCTGCGCTG-3'

ClinVar aggregate classification (germline): Uncertain significance (1 of 4 stars; one submission).

Submission:

Labcorp Genetics (formerly Invitae), Labcorp
Classification: Uncertain significance. Last evaluated: 2021-06-07. Review status: criteria provided, single submitter. Criteria: Invitae Variant Classification Sherloc (09022015). Collection method: clinical testing. Allele origin: germline.
Comment: In summary, the available evidence is currently insufficient to determine the role of this variant in disease. Therefore, it has been classified as a Variant of Uncertain Significance. Experimental studies and prediction algorithms are not available or were not evaluated, and the functional significance of this variant is currently unknown. This variant has not been reported in the literature in individuals with GPR179-related conditions. This variant is not present in population databases (ExAC no frequency). This variant, c.2389_2391del, results in the deletion of 1 amino acid(s) of the GPR179 protein (p.Lys797del), but otherwise preserves the integrity of the reading frame.